The following is an entry in ClinVar:

NM_000814.6(GABRB3):c.173-2A>C

Gene: GABRB3 (gamma-aminobutyric acid type A receptor subunit beta3; minus strand). Cytogenetic location: 15q12.
Variant type: single nucleotide variant.
Coding change: c.173-2A>C on transcript NM_000814.6 (MANE Select); the canonical splice acceptor site of the intron before coding-DNA position 173, A replaced by C.
Molecular consequence: splice acceptor variant.
Genome position (GRCh38, 1-based): chr15:26,772,471, T>G on the plus strand (A>C on the coding strand, the complement: GABRB3 is on the minus strand). VCF-style: chr15-26772471-T-G. GRCh37 (hg19) VCF-style: chr15-27017618-T-G.
Other names: c.173-2A>C (NM_021912.5); c.-179-2A>C (NM_001278631.2).
Identifiers: ClinVar variation 4786669 (VCV004786669.1).
Genomic context (GRCh38, chr15:26,772,471, plus strand): 5'-TTCGGAAACCATGTCGATGCTGGCGATGTCGATGTTCATCCCCACGCAGACCGGGGGACC[T>G]GCGGGAAGCACAGGACACGGCGATCAGCCCAGCTCCGGCGCGGGGCGCGGGCGGCTCTGA-3'

ClinVar aggregate classification (germline): Likely pathogenic (1 of 4 stars; one submission).

Conditions:
Epilepsy, childhood absence, susceptibility to, 1. Also called: Epilepsy, childhood absence 1. Identifiers: Orphanet 64280, MedGen C1838604, MONDO:0020759, OMIM 600131.
Epilepsy, childhood absence, susceptibility to, 5. Identifiers: Orphanet 64280, MedGen C2677087, MONDO:0012843, OMIM 612269.

Submission:

Labcorp Genetics (formerly Invitae), Labcorp
Classification: Likely pathogenic for Epilepsy, childhood absence, susceptibility to, 5; Epilepsy, childhood absence, susceptibility to, 1. Last evaluated: 2025-11-19. Review status: criteria provided, single submitter. Criteria: Invitae Variant Classification Sherloc (09022015). Collection method: clinical testing. Allele origin: germline.
Comment: This sequence change affects an acceptor splice site in intron 2 of the GABRB3 gene. It is expected to disrupt RNA splicing. Variants that disrupt the donor or acceptor splice site typically lead to a loss of protein function (PMID: 16199547), and loss-of-function variants in GABRB3 are known to be pathogenic (PMID: 26950270, 28053010). This variant is not present in population databases (gnomAD no frequency). This variant has not been reported in the literature in individuals affected with GABRB3-related conditions. Algorithms developed to predict the effect of sequence changes on RNA splicing suggest that this variant may disrupt the consensus splice site. In summary, the currently available evidence indicates that the variant is pathogenic, but additional data are needed to prove that conclusively. Therefore, this variant has been classified as Likely Pathogenic.

Literature cited by the submitters: PubMed 16199547; PubMed 26950270; PubMed 28053010.